The following is an entry in ClinVar:

ClinVar aggregate classification (germline): Uncertain significance. Review status: criteria provided, multiple submitters, no conflicts (2 of 4 stars). 3 submissions from 3 submitters: Uncertain significance (3). Last evaluated 2025-07-20.

Conditions:
Hereditary cancer-predisposing syndrome. Also called: Neoplastic Syndromes, Hereditary; Hereditary neoplastic syndrome; Hereditary Cancer Syndrome; Tumor predisposition. Identifiers: Orphanet 140162, MedGen C0027672, MeSH D009386, MONDO:0015356.
Tuberous sclerosis 2 (TSC2). Identifiers: Orphanet 805, MedGen C1860707, MONDO:0013199, OMIM 613254.

Submissions (3):

Labcorp Genetics (formerly Invitae), Labcorp
Classification: Uncertain significance for Tuberous sclerosis 2. Last evaluated: 2025-07-20. Review status: criteria provided, single submitter. Criteria: Invitae Variant Classification Sherloc (09022015). Collection method: clinical testing. Allele origin: germline.
Comment: This sequence change replaces arginine, which is basic and polar, with glycine, which is neutral and non-polar, at codon 454 of the TSC2 protein (p.Arg454Gly). This variant is not present in population databases (gnomAD no frequency). This variant has not been reported in the literature in individuals affected with TSC2-related conditions. ClinVar contains an entry for this variant (Variation ID: 947102). An algorithm developed to predict the effect of missense changes on protein structure and function (PolyPhen-2) suggests that this variant is likely to be disruptive. In summary, the available evidence is currently insufficient to determine the role of this variant in disease. Therefore, it has been classified as a Variant of Uncertain Significance.

GeneDx
Classification: Uncertain significance. Last evaluated: 2025-03-20. Review status: criteria provided, single submitter. Criteria: GeneDx Variant Classification Process June 2021. Collection method: clinical testing. Allele origin: germline. Affected: yes.
Comment: Not observed at significant frequency in large population cohorts (gnomAD); In silico analysis supports that this missense variant has a deleterious effect on protein structure/function; Has not been previously published as pathogenic or benign to our knowledge

Ambry Genetics
Classification: Uncertain significance for Hereditary cancer-predisposing syndrome. Last evaluated: 2024-04-05. Review status: criteria provided, single submitter. Criteria: Ambry Variant Classification Scheme 2023. Collection method: clinical testing. Allele origin: germline.
Comment: The p.R454G variant (also known as c.1360A>G), located in coding exon 12 of the TSC2 gene, results from an A to G substitution at nucleotide position 1360. The arginine at codon 454 is replaced by glycine, an amino acid with dissimilar properties. This amino acid position is highly conserved in available vertebrate species. In addition, this alteration is predicted to be deleterious by in silico analysis. Based on the available evidence, the clinical significance of this variant remains unclear.

NM_000548.5(TSC2):c.1360A>G (p.Arg454Gly)

Gene: TSC2 (TSC complex subunit 2; plus strand). Cytogenetic location: 16p13.3.
Variant type: single nucleotide variant.
Coding change: c.1360A>G on transcript NM_000548.5 (MANE Select); coding-DNA position 1360, A replaced by G.
Protein change: p.Arg454Gly; replaces arginine 454 with glycine.
Molecular consequence: missense variant.
Genome position (GRCh38, 1-based): chr16:2,062,599, A>G. VCF-style: chr16-2062599-A-G. GRCh37 (hg19) VCF-style: chr16-2112600-A-G.
Other names: c.1360A>G, p.Arg454Gly (NM_001077183.3, NM_001114382.3, NM_001363528.2 and 3 more transcripts); c.1249A>G, p.Arg417Gly (NM_001318827.2); c.1213A>G, p.Arg405Gly (NM_001318829.2); c.760A>G, p.Arg254Gly (NM_001318831.2); c.1393A>G, p.Arg465Gly (NM_001318832.2); short protein forms R405G, R454G, R254G, R465G, R417G.
Identifiers: ClinVar variation 947102 (VCV000947102.11), dbSNP rs2086780236, ClinGen allele CA394323400.